The following is an entry in ClinVar:

ClinVar aggregate classification (germline): Uncertain significance (1 of 4 stars; one submission).

Submission:

CeGaT Center for Human Genetics Tuebingen
Classification: Uncertain significance. Last evaluated: 2024-12-01. Review status: criteria provided, single submitter. Criteria: CeGaT Center For Human Genetics Tuebingen Variant Classification Criteria Version 2. Collection method: clinical testing. Allele origin: germline. Affected: yes. Observed: 1 variant allele.
Comment: FAT3: PM2, BP4

NM_001367949.2(FAT3):c.10604C>T (p.Thr3535Ile)

Gene: FAT3 (FAT atypical cadherin 3; plus strand). Cytogenetic location: 11q14.3.
Variant type: single nucleotide variant.
Coding change: c.10604C>T on transcript NM_001367949.2 (MANE Select); coding-DNA position 10604, C replaced by T.
Protein change: p.Thr3535Ile; replaces threonine 3535 with isoleucine.
Molecular consequence: missense variant.
Genome position (GRCh38, 1-based): chr11:92,843,971, C>T. VCF-style: chr11-92843971-C-T. GRCh37 (hg19) VCF-style: chr11-92577137-C-T.
Other names: c.10604C>T, p.Thr3535Ile (NM_001008781.3); short protein forms T3535I.
Identifiers: ClinVar variation 3772093 (VCV003772093.13).